The following is an entry in ClinVar:

NM_000094.4(COL7A1):c.2711-14_2728delinsGG

Gene: COL7A1 (collagen type VII alpha 1 chain; minus strand). Cytogenetic location: 3p21.31.
Variant type: Indel.
Coding change: c.2711-14_2728delinsGG on transcript NM_000094.4 (MANE Select); 14 bases into the intron before coding-DNA position 2711 through coding-DNA position 2728, the reference bases replaced by GG.
Molecular consequence: splice acceptor variant.
Genome position (GRCh38, 1-based): chr3:48,587,922-48,587,953, 32 bases replaced. GRCh37 (hg19): chr3:48,625,355-48,625,386.
Identifiers: ClinVar variation 5004201 (VCV005004201.1).

ClinVar aggregate classification (germline): Uncertain significance (1 of 4 stars; one submission).

Conditions:
Recessive dystrophic epidermolysis bullosa (RDEB). Also called: epidermolysis bullosa dystrophica, autosomal recessive; Epidermolysis Bullosa Distrophica Autosomal Recessive (RDEB); DYSTROPHIC EPIDERMOLYSIS BULLOSA, AUTOSOMAL RECESSIVE; EPIDERMOLYSIS BULLOSA DYSTROPHICA, HALLOPEAU-SIEMENS TYPE; Recessive DEB (RDEB); Hallopeau-Siemens Disease. Identifiers: Orphanet 79408, Orphanet 79409, MedGen C0079474, MONDO:0009179, OMIM 226600.

Submission:

Myriad Genetics, Inc.
Classification: Uncertain significance for Recessive dystrophic epidermolysis bullosa. Last evaluated: 2026-03-31. Review status: criteria provided, single submitter. Criteria: Myriad Autosomal Dominant, Autosomal Recessive and X-Linked Classification Criteria (2023). Collection method: clinical testing. Allele origin: unknown.
Comment: NM_000094.3(COL7A1):c.2711-14_2728del32ins2 is a variant in a canonical splice site classified as a variant of uncertain significance in the context of dystrophic epidermolysis bullosa. c.2711-14_2728del32ins2 has not been observed in cases with relevant disease. Relevant functional assessments of this variant are not available in the literature. c.2711-14_2728del32ins2 has not been observed in referenced population frequency databases. In summary, there is insufficient evidence to classify NM_000094.3(COL7A1):c.2711-14_2728del32ins2 as pathogenic or benign. Please note: this variant was assessed in the context of healthy population screening.